The following is an entry in ClinVar:

ClinVar aggregate classification (germline): Uncertain significance (1 of 4 stars; one submission).

Submission:

Ambry Genetics
Classification: Uncertain significance. Last evaluated: 2025-05-25. Review status: criteria provided, single submitter. Criteria: Ambry Variant Classification Scheme 2023. Collection method: clinical testing. Allele origin: germline.
Comment: The p.V401L variant (also known as c.1201G>C), located in coding exon 4 of the EGLN1 gene, results from a G to C substitution at nucleotide position 1201. The valine at codon 401 is replaced by leucine, an amino acid with highly similar properties. This amino acid position is conserved. In addition, this alteration is predicted to be tolerated by in silico analysis. Based on the available evidence, the clinical significance of this variant remains unclear.

NM_022051.3(EGLN1):c.1201G>C (p.Val401Leu)

Gene: EGLN1 (egl-9 family hypoxia inducible factor 1; minus strand). Cytogenetic location: 1q42.2.
Variant type: single nucleotide variant.
Coding change: c.1201G>C on transcript NM_022051.3 (MANE Select); coding-DNA position 1201, G replaced by C.
Protein change: p.Val401Leu; replaces valine 401 with leucine.
Molecular consequence: missense variant. On other transcripts: 3 prime UTR variant (1), intron variant (1).
Genome position (GRCh38, 1-based): chr1:231,367,584, C>G on the plus strand (G>C on the coding strand, the complement: EGLN1 is on the minus strand). VCF-style: chr1-231367584-C-G. GRCh37 (hg19) VCF-style: chr1-231503330-C-G.
Other names: c.*26G>C (NM_001377261.1); c.1149-1109G>C (NM_001377260.1); short protein forms V401L.
Identifiers: ClinVar variation 4016873 (VCV004016873.1).